The following is an entry in ClinVar:

ClinVar aggregate classification (germline): Likely benign. Review status: criteria provided, multiple submitters, no conflicts (2 of 4 stars). 3 submissions from 3 submitters: Likely benign (2). 1 of the submissions does not count toward it. Last evaluated 2025-12-09.

Conditions:
ALK-related disorder. Also called: ALK-related condition.
Hereditary cancer-predisposing syndrome. Also called: Neoplastic Syndromes, Hereditary; Tumor predisposition; Hereditary Cancer Syndrome; Hereditary neoplastic syndrome. Identifiers: Orphanet 140162, MedGen C0027672, MeSH D009386, MONDO:0015356.
Neuroblastoma, susceptibility to, 3. Also called: ALK-Related Neuroblastic Tumor Susceptibility. Identifiers: Orphanet 635, MedGen C2751681, MONDO:0013083, OMIM 613014.

Allele frequency attached by ClinVar (database versions not stated): gnomAD 0.00001 and 0.00002; gnomAD exomes 0.00003 and 0.00005; TOPMed 0.00003; ExAC 0.00010; 1000 Genomes Project 30x 0.00016; 1000 Genomes Project 0.00020.
gnomAD v4.1: 40 of 1,614,120 alleles (0.0025%); highest among the groups gnomAD compares: East Asian, 0.053%; no homozygotes.

Submissions (3):

Labcorp Genetics (formerly Invitae), Labcorp
Classification: Likely benign for Neuroblastoma, susceptibility to, 3. Last evaluated: 2025-12-09. Review status: criteria provided, single submitter. Criteria: Invitae Variant Classification Sherloc (09022015). Collection method: clinical testing. Allele origin: germline.

Ambry Genetics
Classification: Likely benign for Hereditary cancer-predisposing syndrome. Last evaluated: 2022-04-24. Review status: criteria provided, single submitter. Criteria: Ambry Variant Classification Scheme 2023. Collection method: clinical testing. Allele origin: germline.

PreventionGenetics, part of Exact Sciences
Classification: Likely benign for ALK-related condition. Last evaluated: 2022-09-27. Review status: no assertion criteria provided. Collection method: clinical testing. Allele origin: germline. Not counted in ClinVar's aggregate classification.
Comment: This variant is classified as likely benign based on ACMG/AMP sequence variant interpretation guidelines (Richards et al. 2015 PMID: 25741868, with internal and published modifications).

NM_004304.5(ALK):c.3228T>C (p.Pro1076=)

Gene: ALK (ALK receptor tyrosine kinase; minus strand). Cytogenetic location: 2p23.2.
Variant type: single nucleotide variant.
Coding change: c.3228T>C on transcript NM_004304.5 (MANE Select); coding-DNA position 3228, T replaced by C.
Protein change: p.Pro1076=; no amino-acid change (proline 1076 retained).
Molecular consequence: synonymous variant.
Genome position (GRCh38, 1-based): chr2:29,223,473, A>G on the plus strand (T>C on the coding strand, the complement: ALK is on the minus strand). VCF-style: chr2-29223473-A-G. GRCh37 (hg19) VCF-style: chr2-29446339-A-G.
Other names: c.24T>C, p.Pro8= (NM_001353765.2).
Identifiers: ClinVar variation 538290 (VCV000538290.16), dbSNP rs199685862, ClinGen allele CA1594033.
Genomic context (GRCh38, chr2:29,223,473, plus strand): 5'-GTAGTTGGGGTTGTAGTCGGTCATGATGGTCGAGGTGCGGAGCTTGCTCAGCTTGTACTC[A>G]GGGCTCTGCAGCTCCATCTGCATGGCTTGCAGCTCCTGGTGCTTCCGGCGGTACACTGCA-3'
Protein context (NP_004295.2, residues 1066-1086): LQAMQMELQS[Pro1076=]EYKLSKLRTS